The following is an entry in ClinVar:

NM_004360.5(CDH1):c.2574C>G (p.Asp858Glu)

Gene: CDH1 (cadherin 1; plus strand). Cytogenetic location: 16q22.1.
Variant type: single nucleotide variant.
Coding change: c.2574C>G on transcript NM_004360.5 (MANE Select); coding-DNA position 2574, C replaced by G.
Protein change: p.Asp858Glu; replaces aspartic acid 858 with glutamic acid.
Molecular consequence: missense variant.
Genome position (GRCh38, 1-based): chr16:68,833,424, C>G. VCF-style: chr16-68833424-C-G. GRCh37 (hg19) VCF-style: chr16-68867327-C-G.
Other names: c.2574C>G (LRG_301t1); c.2391C>G, p.Asp797Glu (NM_001317184.2); c.1026C>G, p.Asp342Glu (NM_001317185.2); c.609C>G, p.Asp203Glu (NM_001317186.2); short protein forms D858E, D342E, D797E, D203E.
Identifiers: ClinVar variation 581022 (VCV000581022.17), dbSNP rs1060501245, ClinGen allele CA396472527.

ClinVar aggregate classification (germline): Uncertain significance. Review status: criteria provided, multiple submitters, no conflicts (2 of 4 stars). 4 submissions from 4 submitters: Uncertain significance (4). Last evaluated 2025-03-24.

Conditions:
Hereditary cancer-predisposing syndrome. Also called: Hereditary neoplastic syndrome; Tumor predisposition; Hereditary Cancer Syndrome; Neoplastic Syndromes, Hereditary. Identifiers: Orphanet 140162, MedGen C0027672, MeSH D009386, MONDO:0015356.
Hereditary diffuse gastric adenocarcinoma (HDGC). Also called: DIFFUSE GASTRIC AND LOBULAR BREAST CANCER SYNDROME. Identifiers: Orphanet 26106, MedGen C1708349, MONDO:0007648, OMIM 137215.
Familial cancer of breast. Also called: hereditary breast carcinoma; BREAST CANCER, FAMILIAL; Hereditary breast cancer. Identifiers: Orphanet 227535, MedGen C0346153, MONDO:0016419, OMIM 114480. Disease mechanism: loss of function.

gnomAD v4.1: 1 of 1,614,216 alleles (0.000062%); no homozygotes.

Submissions (4):

Color Diagnostics, LLC DBA Color Health
Classification: Uncertain significance for Hereditary cancer-predisposing syndrome. Last evaluated: 2025-03-24. Review status: criteria provided, single submitter. Criteria: ACMG Guidelines, 2015. Collection method: clinical testing. Allele origin: germline.
Comment: This missense variant replaces aspartic acid with glutamic acid at codon 858 of the CDH1 protein. To our knowledge, functional studies have not been reported for this variant. This variant has not been reported in individuals affected with hereditary cancer in the literature. This variant has not been identified in the general population by the Genome Aggregation Database (gnomAD). The available evidence is insufficient to determine the role of this variant in disease conclusively. Therefore, this variant is classified as a Variant of Uncertain Significance.

Baylor Genetics
Classification: Uncertain significance for Familial cancer of breast. Last evaluated: 2023-10-06. Review status: criteria provided, single submitter. Criteria: ACMG Guidelines, 2015. Collection method: clinical testing. Allele origin: unknown.

Ambry Genetics
Classification: Uncertain significance for Hereditary cancer-predisposing syndrome. Last evaluated: 2022-08-19. Review status: criteria provided, single submitter. Criteria: Ambry Variant Classification Scheme 2023. Collection method: clinical testing. Allele origin: germline.
Comment: The p.D858E variant (also known as c.2574C>G), located in coding exon 16 of the CDH1 gene, results from a C to G substitution at nucleotide position 2574. The aspartic acid at codon 858 is replaced by glutamic acid, an amino acid with highly similar properties. This amino acid position is conserved. In addition, the in silico prediction for this alteration is inconclusive. Since supporting evidence is limited at this time, the clinical significance of this alteration remains unclear.

Labcorp Genetics (formerly Invitae), Labcorp
Classification: Uncertain significance for Hereditary diffuse gastric adenocarcinoma. Last evaluated: 2019-05-15. Review status: criteria provided, single submitter. Criteria: Invitae Variant Classification Sherloc (09022015). Collection method: clinical testing. Allele origin: germline.
Comment: Algorithms developed to predict the effect of sequence changes on RNA splicing suggest that this variant may create or strengthen a splice site, but this prediction has not been confirmed by published transcriptional studies. In summary, the available evidence is currently insufficient to determine the role of this variant in disease. Therefore, it has been classified as a Variant of Uncertain Significance. Algorithms developed to predict the effect of missense changes on protein structure and function do not agree on the potential impact of this missense change (SIFT: "Deleterious"; PolyPhen-2: "Probably Damaging"; Align-GVGD: "Class C0"). This sequence change replaces aspartic acid with glutamic acid at codon 858 of the CDH1 protein (p.Asp858Glu). The aspartic acid residue is highly conserved and there is a small physicochemical difference between aspartic acid and glutamic acid. This variant is not present in population databases (ExAC no frequency). This variant has not been reported in the literature in individuals with CDH1-related disease.